The following is an entry in ClinVar:

NM_138395.4(MARS2):c.687C>T (p.Asn229=)

Gene: MARS2 (methionyl-tRNA synthetase 2, mitochondrial; plus strand). Cytogenetic location: 2q33.1.
Variant type: single nucleotide variant.
Coding change: c.687C>T on transcript NM_138395.4 (MANE Select); coding-DNA position 687, C replaced by T.
Protein change: p.Asn229=; no amino-acid change (asparagine 229 retained).
Molecular consequence: synonymous variant.
Genome position (GRCh38, 1-based): chr2:197,706,092, C>T. VCF-style: chr2-197706092-C-T. GRCh37 (hg19) VCF-style: chr2-198570816-C-T.
Identifiers: ClinVar variation 3649805 (VCV003649805.2).

ClinVar aggregate classification (germline): Uncertain significance (1 of 4 stars; one submission).

Submission:

Labcorp Genetics (formerly Invitae), Labcorp
Classification: Uncertain significance. Last evaluated: 2024-03-15. Review status: criteria provided, single submitter. Criteria: Invitae Variant Classification Sherloc (09022015). Collection method: clinical testing. Allele origin: germline.
Comment: This sequence change affects codon 229 of the MARS2 mRNA. It is a 'silent' change, meaning that it does not change the encoded amino acid sequence of the MARS2 protein. This variant is not present in population databases (gnomAD no frequency). This variant has not been reported in the literature in individuals affected with MARS2-related conditions. In summary, the available evidence is currently insufficient to determine the role of this variant in disease. Therefore, it has been classified as a Variant of Uncertain Significance.